The following is an entry in ClinVar:

NM_001395656.1(ROBO2):c.1388C>T (p.Pro463Leu)

Gene: ROBO2 (roundabout guidance receptor 2; plus strand). Cytogenetic location: 3p12.3.
Variant type: single nucleotide variant.
Coding change: c.1388C>T on transcript NM_001395656.1 (MANE Select); coding-DNA position 1388, C replaced by T.
Protein change: p.Pro463Leu; replaces proline 463 with leucine.
Molecular consequence: missense variant. On other transcripts: 5 prime UTR variant (1).
Genome position (GRCh38, 1-based): chr3:77,558,088, C>T. VCF-style: chr3-77558088-C-T. GRCh37 (hg19) VCF-style: chr3-77607239-C-T.
Other names: c.1424C>T, p.Pro475Leu (NM_001128929.3); c.1388C>T, p.Pro463Leu (NM_001290039.2, NM_001290040.2, NM_001378202.1); c.-543C>T (NM_001290065.2); c.1436C>T, p.Pro479Leu (NM_001378190.1, NM_001378191.1, NM_001378195.1 and 4 more transcripts); c.1457C>T, p.Pro486Leu (NM_001378192.1, NM_001378194.1, NM_001378198.1 and 2 more transcripts); c.1376C>T, p.Pro459Leu (NM_001378193.1, NM_001378197.1, NM_002942.5); c.1445C>T, p.Pro482Leu (NM_001394212.1, NM_001394214.1, NM_001395657.1); short protein forms P459L, P463L, P475L, P479L, P482L, P486L.
Identifiers: ClinVar variation 711368 (VCV000711368.11), dbSNP rs149844393, ClinGen allele CA2497034.

ClinVar aggregate classification (germline): Likely benign. Review status: criteria provided, multiple submitters, no conflicts (2 of 4 stars). 3 submissions from 3 submitters: Likely benign (2). 1 of the submissions does not count toward it. Last evaluated 2025-12-17.

Conditions:
ROBO2-related disorder. Also called: ROBO2-related condition.

Allele frequency attached by ClinVar (database versions not stated): gnomAD exomes 0.00030; ExAC 0.00032; 1000 Genomes Project 30x 0.00094; 1000 Genomes Project 0.00100; ESP Exome Variant Server 0.00109; gnomAD 0.00126 and 0.00133; TOPMed 0.00140.
gnomAD v4.1: 408 of 1,613,030 alleles (0.025%); highest among the groups gnomAD compares: African/African-American, 0.41%; 4 homozygotes.

Submissions (3):

Labcorp Genetics (formerly Invitae), Labcorp
Classification: Likely benign. Last evaluated: 2025-12-17. Review status: criteria provided, single submitter. Criteria: Invitae Variant Classification Sherloc (09022015). Collection method: clinical testing. Allele origin: germline.

Breakthrough Genomics
Classification: Likely benign. Review status: criteria provided, single submitter. Criteria: ACMG Guidelines, 2015. Collection method: not provided. Allele origin: germline. Inheritance: Autosomal dominant inheritance. Affected: yes.

PreventionGenetics, part of Exact Sciences
Classification: Likely benign for ROBO2-related condition. Last evaluated: 2024-04-04. Review status: no assertion criteria provided. Collection method: clinical testing. Allele origin: germline. Not counted in ClinVar's aggregate classification.
Comment: This variant is classified as likely benign based on ACMG/AMP sequence variant interpretation guidelines (Richards et al. 2015 PMID: 25741868, with internal and published modifications).